The following is an entry in ClinVar:

ClinVar aggregate classification (germline): Uncertain significance (1 of 4 stars; one submission).

Submission:

Labcorp Genetics (formerly Invitae), Labcorp
Classification: Uncertain significance. Last evaluated: 2025-04-22. Review status: criteria provided, single submitter. Criteria: Invitae Variant Classification Sherloc (09022015). Collection method: clinical testing. Allele origin: germline.
Comment: This sequence change replaces aspartic acid, which is acidic and polar, with asparagine, which is neutral and polar, at codon 1622 of the MYH3 protein (p.Asp1622Asn). This variant is present in population databases (rs753924310, gnomAD 0.0009%). This variant has not been reported in the literature in individuals affected with MYH3-related conditions. Invitae Evidence Modeling of protein sequence and biophysical properties (such as structural, functional, and spatial information, amino acid conservation, physicochemical variation, residue mobility, and thermodynamic stability) indicates that this missense variant is not expected to disrupt MYH3 protein function with a negative predictive value of 95%. In summary, the available evidence is currently insufficient to determine the role of this variant in disease. Therefore, it has been classified as a Variant of Uncertain Significance.

NM_002470.4(MYH3):c.4864G>A (p.Asp1622Asn)

Gene: MYH3 (myosin heavy chain 3; minus strand). Cytogenetic location: 17p13.1.
Variant type: single nucleotide variant.
Coding change: c.4864G>A on transcript NM_002470.4 (MANE Select); coding-DNA position 4864, G replaced by A.
Protein change: p.Asp1622Asn; replaces aspartic acid 1622 with asparagine.
Molecular consequence: missense variant.
Genome position (GRCh38, 1-based): chr17:10,632,568, C>T on the plus strand (G>A on the coding strand, the complement: MYH3 is on the minus strand). VCF-style: chr17-10632568-C-T. GRCh37 (hg19) VCF-style: chr17-10535885-C-T.
Other names: short protein forms D1622N.
Identifiers: ClinVar variation 4800666 (VCV004800666.1).